The following is an entry in ClinVar:

NM_133259.4(LRPPRC):c.2026C>T (p.Gln676Ter)

Gene: LRPPRC (leucine rich pentatricopeptide repeat containing; minus strand). Cytogenetic location: 2p21.
Variant type: single nucleotide variant.
Coding change: c.2026C>T on transcript NM_133259.4 (MANE Select); coding-DNA position 2026, C replaced by T.
Protein change: p.Gln676Ter; replaces glutamine 676 with a stop codon.
Molecular consequence: nonsense.
Genome position (GRCh38, 1-based): chr2:43,947,310, G>A on the plus strand (C>T on the coding strand, the complement: LRPPRC is on the minus strand). VCF-style: chr2-43947310-G-A. GRCh37 (hg19) VCF-style: chr2-44174449-G-A.
Other names: short protein forms Q676*.
Identifiers: ClinVar variation 4990901 (VCV004990901.1).
Genomic context (GRCh38, chr2:43,947,310, plus strand): 5'-ATGTTACCTCTTCTGAACAAAGCACTAATATGAGTTGCTTTAGGACATCTCTTATAGGTT[G>A]ATTTTCAGCTTTTAGTGTTTCAAGTGTGGACTCCAATTCAGATGATGTAAGTTGCACAGT-3'

ClinVar aggregate classification (germline): Likely pathogenic (1 of 4 stars; one submission).

Conditions:
LRPPRC-related disorder. Also called: LRPPRC-related condition.

Submission:

PreventionGenetics, part of Exact Sciences
Classification: Likely pathogenic for LRPPRC-related condition. Last evaluated: 2025-08-25. Review status: criteria provided, single submitter. Criteria: ACMG Guidelines, 2015. Collection method: clinical testing. Allele origin: germline.
Comment: The LRPPRC c.2026C>T variant is predicted to result in premature protein termination (p.Gln676*). To our knowledge, this variant has not been reported in the literature or in a large population database (gnomAD), indicating this variant is rare. Nonsense variants in LRPPRC are expected to be pathogenic. This variant is interpreted as likely pathogenic.